The following is an entry in ClinVar:

ClinVar aggregate classification (germline): Uncertain significance (1 of 4 stars; one submission).

Conditions:
Cardiovascular phenotype. Identifiers: MedGen CN230736.

Submission:

Ambry Genetics
Classification: Uncertain significance for Cardiovascular phenotype. Last evaluated: 2021-08-05. Review status: criteria provided, single submitter. Criteria: Ambry Variant Classification Scheme 2023. Collection method: clinical testing. Allele origin: germline.
Comment: The p.G17A variant (also known as c.50G>C), located in coding exon 2 of the GPD1L gene, results from a G to C substitution at nucleotide position 50. The glycine at codon 17 is replaced by alanine, an amino acid with similar properties. This amino acid position is conserved. In addition, this alteration is predicted to be deleterious by in silico analysis. Since supporting evidence is limited at this time, the clinical significance of this alteration remains unclear.

NM_015141.4(GPD1L):c.50G>C (p.Gly17Ala)

Gene: GPD1L (glycerol-3-phosphate dehydrogenase 1 like; plus strand). Cytogenetic location: 3p22.3.
Variant type: single nucleotide variant.
Coding change: c.50G>C on transcript NM_015141.4 (MANE Select); coding-DNA position 50, G replaced by C.
Protein change: p.Gly17Ala; replaces glycine 17 with alanine.
Molecular consequence: missense variant.
Genome position (GRCh38, 1-based): chr3:32,128,078, G>C. VCF-style: chr3-32128078-G-C. GRCh37 (hg19) VCF-style: chr3-32169570-G-C.
Other names: short protein forms G17A.
Identifiers: ClinVar variation 1745344 (VCV001745344.2), dbSNP rs2471385951, ClinGen allele CA351972194.